The following is an entry in ClinVar:

ClinVar aggregate classification (germline): Likely pathogenic (1 of 4 stars; one submission).

Submission:

GeneDx
Classification: Likely pathogenic. Last evaluated: 2024-03-20. Review status: criteria provided, single submitter. Criteria: GeneDx Variant Classification Process June 2021. Collection method: clinical testing. Allele origin: germline. Affected: yes.
Comment: Identified in a patient with progressive spastic paraplegia involving the lower limbs in published literature (PMID: 22960362); Nonsense variant predicted to result in protein truncation or nonsense mediated decay in a gene for which loss of function is a known mechanism of disease; Not observed at significant frequency in large population cohorts (gnomAD); This variant is associated with the following publications: (PMID: 22960362)

NM_014946.4(SPAST):c.403G>T (p.Glu135Ter)

Gene: SPAST (spastin; plus strand). Cytogenetic location: 2p22.3.
Variant type: single nucleotide variant.
Coding change: c.403G>T on transcript NM_014946.4 (MANE Select); coding-DNA position 403, G replaced by T.
Protein change: p.Glu135Ter; replaces glutamic acid 135 with a stop codon.
Molecular consequence: nonsense.
Genome position (GRCh38, 1-based): chr2:32,064,234, G>T. VCF-style: chr2-32064234-G-T. GRCh37 (hg19) VCF-style: chr2-32289303-G-T.
Other names: c.403G>T, p.Glu135Ter (NM_001363823.2, NM_001363875.2, NM_001377959.1 and 1 more transcripts); short protein forms E135*.
Identifiers: ClinVar variation 3340614 (VCV003340614.1).